The following is an entry in ClinVar:

NM_001034116.2(EIF2B4):c.662G>A (p.Gly221Asp)

Gene: EIF2B4 (eukaryotic translation initiation factor 2B subunit delta; minus strand). Cytogenetic location: 2p23.3.
Variant type: single nucleotide variant.
Coding change: c.662G>A on transcript NM_001034116.2 (MANE Select); coding-DNA position 662, G replaced by A.
Protein change: p.Gly221Asp; replaces glycine 221 with aspartic acid.
Molecular consequence: missense variant.
Genome position (GRCh38, 1-based): chr2:27,368,068, C>T on the plus strand (G>A on the coding strand, the complement: EIF2B4 is on the minus strand). VCF-style: chr2-27368068-C-T. GRCh37 (hg19) VCF-style: chr2-27590935-C-T.
Other names: c.725G>A, p.Gly242Asp (NM_001318965.2); c.617G>A, p.Gly206Asp (NM_001318966.2); c.569G>A, p.Gly190Asp (NM_001318967.2); c.77G>A, p.Gly26Asp (NM_001318968.2); c.44G>A, p.Gly15Asp (NM_001318969.2); c.659G>A, p.Gly220Asp (NM_015636.4); c.722G>A, p.Gly241Asp (NM_172195.4); short protein forms G242D, G15D, G220D, G241D, G190D, G206D, G221D, G26D.
Identifiers: ClinVar variation 2757362 (VCV002757362.3), dbSNP rs2465514674, ClinGen allele CA346200240.

ClinVar aggregate classification (germline): Uncertain significance (1 of 4 stars; one submission).

Submission:

Labcorp Genetics (formerly Invitae), Labcorp
Classification: Uncertain significance. Last evaluated: 2023-09-01. Review status: criteria provided, single submitter. Criteria: Invitae Variant Classification Sherloc (09022015). Collection method: clinical testing. Allele origin: germline.
Comment: In summary, the available evidence is currently insufficient to determine the role of this variant in disease. Therefore, it has been classified as a Variant of Uncertain Significance. An algorithm developed to predict the effect of missense changes on protein structure and function (PolyPhen-2) suggests that this variant is likely to be disruptive. This variant has not been reported in the literature in individuals affected with EIF2B4-related conditions. This variant is not present in population databases (gnomAD no frequency). This sequence change replaces glycine, which is neutral and non-polar, with aspartic acid, which is acidic and polar, at codon 220 of the EIF2B4 protein (p.Gly220Asp).